The following is an entry in ClinVar:

NM_003900.5(SQSTM1):c.385G>A (p.Asp129Asn)

Gene: SQSTM1 (sequestosome 1; plus strand). Cytogenetic location: 5q35.3.
Variant type: single nucleotide variant.
Coding change: c.385G>A on transcript NM_003900.5 (MANE Select); coding-DNA position 385, G replaced by A.
Protein change: p.Asp129Asn; replaces aspartic acid 129 with asparagine.
Molecular consequence: missense variant.
Genome position (GRCh38, 1-based): chr5:179,823,941, G>A. VCF-style: chr5-179823941-G-A. GRCh37 (hg19) VCF-style: chr5-179250941-G-A.
Other names: c.133G>A, p.Asp45Asn (NM_001142298.2, NM_001142299.2); short protein forms D129N, D45N.
Identifiers: ClinVar variation 1007156 (VCV001007156.8), dbSNP rs753212399, ClinGen allele CA3600495.

ClinVar aggregate classification (germline): Uncertain significance (1 of 4 stars; one submission).

Conditions:
Paget disease of bone 2, early-onset (PDB2). Also called: Paget disease of bone 2. Identifiers: MedGen C4085251, MONDO:0011183, OMIM 602080.
Frontotemporal dementia and/or amyotrophic lateral sclerosis 1 (FTDALS1). Also called: C9orf72 Frontotemporal Dementia and/or Amyotrophic Lateral Sclerosis; Frontotemporal dementia with motor neuron disease 1. Identifiers: Orphanet 275872, MedGen C5779877, MONDO:0007105, OMIM 105550.

Allele frequency attached by ClinVar (database versions not stated): gnomAD 0.00001; gnomAD exomes 0.00002; TOPMed 0.00002; ExAC 0.00003.

Submission:

Labcorp Genetics (formerly Invitae), Labcorp
Classification: Uncertain significance for Paget disease of bone 2, early-onset; Frontotemporal dementia and/or amyotrophic lateral sclerosis 1. Last evaluated: 2025-10-02. Review status: criteria provided, single submitter. Criteria: Invitae Variant Classification Sherloc (09022015). Collection method: clinical testing. Allele origin: germline.
Comment: This sequence change replaces aspartic acid, which is acidic and polar, with asparagine, which is neutral and polar, at codon 129 of the SQSTM1 protein (p.Asp129Asn). This variant is present in population databases (rs753212399, gnomAD 0.006%). This missense change has been observed in individual(s) with amyotrophic lateral sclerosis (PMID: 24899140). ClinVar contains an entry for this variant (Variation ID: 1007156). Invitae Evidence Modeling of protein sequence and biophysical properties (such as structural, functional, and spatial information, amino acid conservation, physicochemical variation, residue mobility, and thermodynamic stability) indicates that this missense variant is not expected to disrupt SQSTM1 protein function with a negative predictive value of 80%. Experimental studies have shown that this missense change affects SQSTM1 function (PMID: 30120248). In summary, the available evidence is currently insufficient to determine the role of this variant in disease. Therefore, it has been classified as a Variant of Uncertain Significance.

Literature cited by the submitters: PubMed 24899140; PubMed 30120248.